The following is an entry in ClinVar:

ClinVar aggregate classification (germline): Benign. Review status: criteria provided, multiple submitters, no conflicts (2 of 4 stars). 3 submissions from 3 submitters: Benign (3). Last evaluated 2026-02-04.

Conditions:
Autosomal recessive congenital ichthyosis 5 (ARCI5). Also called: ICHTHYOSIS CONGENITA III; Ichthyosis, nonlamellar and nonerythrodermic, congenital, autosomal recessive. Identifiers: Orphanet 313, MedGen C1858133, MONDO:0011485, OMIM 604777.

Allele frequency attached by ClinVar (database versions not stated): gnomAD exomes 0.00197 and 0.00518; ExAC 0.00648; 1000 Genomes Project 0.02077; gnomAD 0.02078 and 0.02258; 1000 Genomes Project 30x 0.02108; TOPMed 0.02350; ESP Exome Variant Server 0.02507.
gnomAD v4.1: 6,121 of 1,614,058 alleles (0.38%); highest among the groups gnomAD compares: African/African-American, 7.4%; 236 homozygotes.

Submissions (3):

Labcorp Genetics (formerly Invitae), Labcorp
Classification: Benign. Last evaluated: 2026-02-04. Review status: criteria provided, single submitter. Criteria: Invitae Variant Classification Sherloc (09022015). Collection method: clinical testing. Allele origin: germline.

Illumina Laboratory Services, Illumina
Classification: Benign for Autosomal recessive congenital ichthyosis 5. Last evaluated: 2018-01-13. Review status: criteria provided, single submitter. Criteria: ICSL Variant Classification Criteria 13 December 2019. Collection method: clinical testing. Allele origin: germline.
Comment: This variant was observed in the ICSL laboratory as part of a predisposition screen in an ostensibly healthy population. It had not been previously curated by ICSL or reported in the Human Gene Mutation Database (HGMD: prior to June 1st, 2018), and was therefore a candidate for classification through an automated scoring system. Utilizing variant allele frequency, disease prevalence and penetrance estimates, and inheritance mode, an automated score was calculated to assess if this variant is too frequent to cause the disease. Based on the score and internal cut-off values, a variant classified as benign is not then subjected to further curation. The score for this variant resulted in a classification of benign for this disease.

Breakthrough Genomics
Classification: Benign. Review status: criteria provided, single submitter. Criteria: ACMG Guidelines, 2015. Collection method: not provided. Allele origin: germline. Inheritance: Autosomal recessive inheritance. Affected: yes.

NM_173483.4(CYP4F22):c.447T>C (p.Gly149=)

Gene: CYP4F22 (cytochrome P450 family 4 subfamily F member 22; plus strand). Cytogenetic location: 19p13.12.
Variant type: single nucleotide variant.
Coding change: c.447T>C on transcript NM_173483.4 (MANE Select); coding-DNA position 447, T replaced by C.
Protein change: p.Gly149=; no amino-acid change (glycine 149 retained).
Molecular consequence: synonymous variant.
Genome position (GRCh38, 1-based): chr19:15,537,560, T>C. VCF-style: chr19-15537560-T-C. GRCh37 (hg19) VCF-style: chr19-15648371-T-C.
Identifiers: ClinVar variation 328429 (VCV000328429.15), dbSNP rs114980833, ClinGen allele CA9269586.